The following is an entry in ClinVar:

ClinVar aggregate classification (germline): Uncertain significance. Review status: criteria provided, multiple submitters, no conflicts (2 of 4 stars). 3 submissions from 3 submitters: Uncertain significance (3). Last evaluated 2024-04-30.

Conditions:
Hereditary cancer-predisposing syndrome. Also called: Neoplastic Syndromes, Hereditary; Hereditary Cancer Syndrome; Hereditary neoplastic syndrome; Tumor predisposition. Identifiers: Orphanet 140162, MedGen C0027672, MeSH D009386, MONDO:0015356.
Cardiovascular phenotype. Identifiers: MedGen CN230736.
Neurofibromatosis, type 1 (NF1). Also called: NEUROFIBROMATOSIS, TYPE I, SOMATIC; VON RECKLINGHAUSEN DISEASE; Neurofibromatosis, type I; Peripheral type neurofibromatosis. Identifiers: Orphanet 636, MedGen C0027831, MONDO:0018975, OMIM 162200. Disease mechanism: loss of function.

Submissions (3):

Labcorp Genetics (formerly Invitae), Labcorp
Classification: Uncertain significance for Neurofibromatosis, type 1. Last evaluated: 2024-04-30. Review status: criteria provided, single submitter. Criteria: Invitae Variant Classification Sherloc (09022015). Collection method: clinical testing. Allele origin: germline.
Comment: This sequence change replaces serine, which is neutral and polar, with arginine, which is basic and polar, at codon 587 of the NF1 protein (p.Ser587Arg). This variant is not present in population databases (gnomAD no frequency). This variant has not been reported in the literature in individuals affected with NF1-related conditions. ClinVar contains an entry for this variant (Variation ID: 641296). Advanced modeling of protein sequence and biophysical properties (such as structural, functional, and spatial information, amino acid conservation, physicochemical variation, residue mobility, and thermodynamic stability) has been performed at Invitae for this missense variant, however the output from this modeling did not meet the statistical confidence thresholds required to predict the impact of this variant on NF1 protein function. In summary, the available evidence is currently insufficient to determine the role of this variant in disease. Therefore, it has been classified as a Variant of Uncertain Significance.

Genome-Nilou Lab
Classification: Uncertain significance for Neurofibromatosis, type 1. Last evaluated: 2022-03-15. Review status: criteria provided, single submitter. Criteria: ACMG Guidelines, 2015. Collection method: clinical testing. Allele origin: germline. Affected: no.

Ambry Genetics
Classification: Uncertain significance for Cardiovascular phenotype; Hereditary cancer-predisposing syndrome. Last evaluated: 2019-07-09. Review status: criteria provided, single submitter. Criteria: Ambry Variant Classification Scheme 2023. Collection method: clinical testing. Allele origin: germline.
Comment: The p.S587R variant (also known as c.1759A>C), located in coding exon 16 of the NF1 gene, results from an A to C substitution at nucleotide position 1759. The serine at codon 587 is replaced by arginine, an amino acid with dissimilar properties. This amino acid position is not well conserved in available vertebrate species. In addition, the in silico prediction for this alteration is inconclusive. Since supporting evidence is limited at this time, the clinical significance of this alteration remains unclear.

NM_001042492.3(NF1):c.1759A>C (p.Ser587Arg)

Gene: NF1 (neurofibromin 1; plus strand). Cytogenetic location: 17q11.2.
Variant type: single nucleotide variant.
Coding change: c.1759A>C on transcript NM_001042492.3 (MANE Select); coding-DNA position 1759, A replaced by C.
Protein change: p.Ser587Arg; replaces serine 587 with arginine.
Molecular consequence: missense variant.
Genome position (GRCh38, 1-based): chr17:31,223,481, A>C. VCF-style: chr17-31223481-A-C. GRCh37 (hg19) VCF-style: chr17-29550499-A-C.
Other names: c.1759A>C, p.Ser587Arg (NM_000267.4); short protein forms S587R.
Identifiers: ClinVar variation 641296 (VCV000641296.11), dbSNP rs1597708695, ClinGen allele CA399004166.